The following is an entry in ClinVar:

ClinVar aggregate classification (germline): Pathogenic (1 of 4 stars; one submission).

Conditions:
Hereditary cancer-predisposing syndrome. Also called: Hereditary neoplastic syndrome; Neoplastic Syndromes, Hereditary; Tumor predisposition; Hereditary Cancer Syndrome. Identifiers: Orphanet 140162, MedGen C0027672, MeSH D009386, MONDO:0015356.

Submission:

Ambry Genetics
Classification: Pathogenic for Hereditary cancer-predisposing syndrome. Last evaluated: 2025-07-22. Review status: criteria provided, single submitter. Criteria: Ambry Variant Classification Scheme 2023. Collection method: clinical testing. Allele origin: germline.
Comment: The c.251delG pathogenic mutation, located in coding exon 3 of the APC gene, results from a deletion of one nucleotide at nucleotide position 251, causing a translational frameshift with a predicted alternate stop codon (p.G84Efs*2). This variant was reported in individual(s) with features consistent with APC-related familial adenomatous polyposis (Ambry internal data). This variant is considered to be rare based on population cohorts in the Genome Aggregation Database (gnomAD). This alteration is expected to result in loss of function by premature protein truncation or nonsense-mediated mRNA decay. As such, this alteration is interpreted as a disease-causing mutation.

NM_000038.6(APC):c.251del (p.Gly84fs)

Gene: APC (APC regulator of Wnt signaling pathway; plus strand). Cytogenetic location: 5q22.2.
Variant type: Deletion.
Coding change: c.251del on transcript NM_000038.6 (MANE Select); coding-DNA position 251, one base deleted (G; older notation c.251delG).
Protein change: p.Gly84fs; shifts the reading frame from glycine 84.
Molecular consequence: frameshift variant. On other transcripts: non-coding transcript variant (2), 5 prime UTR variant (4).
Genome position (GRCh38, 1-based): chr5:112,767,219, G deleted; the last of 2 consecutive G bases (chr5:112,767,218-112,767,219); deleting either gives the same sequence. VCF-style (leftmost placement, unchanged base first): chr5-112767217-TG-T. GRCh37 (hg19) VCF-style: chr5-112102914-TG-T.
Other names: c.251del, p.Gly84fs (NM_001407447.1, NM_001407448.1, NM_001407449.1 and 16 more transcripts); c.176del, p.Gly59fs (NM_001407451.1, NM_001354898.2, NM_001354904.2); c.74del, p.Gly25fs (NM_001407453.1, NM_001354900.2, NM_001354901.2 and 1 more transcripts); c.-785del (NM_001407470.1, NM_001407471.1, NM_001407472.1 and 1 more transcripts); c.281del, p.Gly94fs (NM_001127511.3, NM_001354897.2, NM_001354902.2 and 1 more transcripts); short protein forms G94fs, G25fs, G84fs, G59fs.
Identifiers: ClinVar variation 4120842 (VCV004120842.1).